The following is an entry in ClinVar:

ClinVar aggregate classification (germline): Likely pathogenic (0 of 4 stars; one submission).

Conditions:
PKD1-related disorder. Also called: PKD1-related condition.

Submission:

PreventionGenetics, part of Exact Sciences
Classification: Likely pathogenic for PKD1-related condition. Last evaluated: 2024-06-14. Review status: no assertion criteria provided. Collection method: clinical testing. Allele origin: germline.
Comment: The PKD1 c.171_174delGACG variant is predicted to result in a frameshift and premature protein termination (p.Thr58Serfs*14). To our knowledge, this variant has not been reported in the literature or in a large population database, indicating this variant is rare. Frameshift variants in PKD1 are expected to be pathogenic. This variant is interpreted as likely pathogenic.

NM_001009944.3(PKD1):c.171_174del (p.Thr58fs)

Gene: PKD1 (polycystin 1, transient receptor potential channel interacting; minus strand). Cytogenetic location: 16p13.3.
Variant type: Deletion.
Coding change: c.171_174del on transcript NM_001009944.3 (MANE Select); coding-DNA positions 171 to 174, 4 bases deleted (GACG; older notation c.171_174delGACG).
Protein change: p.Thr58fs; shifts the reading frame from threonine 58.
Molecular consequence: frameshift variant.
Genome position (GRCh38, 1-based): chr16:2,135,516-2,135,519, CGTC deleted on the plus strand (GACG on the coding strand, the reverse complement: PKD1 is on the minus strand); deleting any 4 consecutive bases within chr16:2,135,516-2,135,521 gives the same sequence; the c. name uses the placement nearest the transcript's 3' end. VCF-style (leftmost placement, unchanged base first): chr16-2135515-GCGTC-G. GRCh37 (hg19) VCF-style: chr16-2185516-GCGTC-G.
Other names: c.171_174del, p.Thr58fs (NM_000296.4); c.171_174delGACG (NM_001009944.2); short protein forms T58fs.
Identifiers: ClinVar variation 3344468 (VCV003344468.1).